The following is an entry in ClinVar:

NM_001384474.1(LOXHD1):c.5294G>A (p.Trp1765Ter)

Gene: LOXHD1 (lipoxygenase homology PLAT domains 1; minus strand). Cytogenetic location: 18q21.1.
Variant type: single nucleotide variant.
Coding change: c.5294G>A on transcript NM_001384474.1 (MANE Select); coding-DNA position 5294, G replaced by A.
Protein change: p.Trp1765Ter; replaces tryptophan 1765 with a stop codon.
Molecular consequence: nonsense.
Genome position (GRCh38, 1-based): chr18:46,518,234, C>T on the plus strand (G>A on the coding strand, the complement: LOXHD1 is on the minus strand). VCF-style: chr18-46518234-C-T. GRCh37 (hg19) VCF-style: chr18-44098197-C-T.
Other names: c.1961G>A, p.Trp654Ter (NM_001145472.3); c.11G>A, p.Trp4Ter (NM_001145473.3, NM_001173129.2); c.1673G>A, p.Trp558Ter (NM_001308013.2); c.5108G>A, p.Trp1703Ter (NM_144612.7); short protein forms W558*, W654*, W1703*, W4*, W1765*.
Identifiers: ClinVar variation 863789 (VCV000863789.9), dbSNP rs1053524259, ClinGen allele CA299799692.

ClinVar aggregate classification (germline): Pathogenic/Likely pathogenic. Review status: criteria provided, multiple submitters, no conflicts (2 of 4 stars). 3 submissions from 3 submitters: Pathogenic (1); Likely pathogenic (2). Last evaluated 2025-07-15.

Conditions:
Autosomal recessive nonsyndromic hearing loss 77. Identifiers: Orphanet 90636, MedGen C2746083, MONDO:0013119, OMIM 613079.

gnomAD v4.1: 5 of 1,551,642 alleles (0.00032%); highest among the groups gnomAD compares: Middle Eastern, 0.033%; no homozygotes.

Submissions (3):

Human Genetics Bochum, Ruhr University Bochum
Classification: Likely pathogenic for Autosomal recessive nonsyndromic hearing loss 77. Last evaluated: 2025-07-15. Review status: criteria provided, single submitter. Criteria: ACMG Guidelines, 2015. Collection method: clinical testing. Allele origin: germline. Affected: yes.
Comment: in compound heterozygous state with c.2872_2884del; ACMG criteria used to clasify this variant: PVS1, PM2_SUP

Natera, Inc.
Classification: Likely pathogenic for Autosomal recessive deafness type 77. Last evaluated: 2025-02-20. Review status: criteria provided, single submitter. Criteria: Natera Variant Classification Schema (03/2026). Collection method: clinical testing. Allele origin: germline.
Comment: The c.5108G>A variant in LOXHD1 is a nonsense variant predicted to introduce a stop codon at amino acid 1703. This variant is expected to result in nonsense mediated decay, truncation, or a dysfunctional protein product. This variant is rare in the general population with a frequency below the threshold expected for the associated phenotype(s). Given the available evidence, this variant is classified as Likely Pathogenic.

Labcorp Genetics (formerly Invitae), Labcorp
Classification: Pathogenic. Last evaluated: 2024-08-03. Review status: criteria provided, single submitter. Criteria: Invitae Variant Classification Sherloc (09022015). Collection method: clinical testing. Allele origin: germline.
Comment: This sequence change creates a premature translational stop signal (p.Trp1703*) in the LOXHD1 gene. It is expected to result in an absent or disrupted protein product. Loss-of-function variants in LOXHD1 are known to be pathogenic (PMID: 19732867, 21465660, 25792669). This variant is not present in population databases (gnomAD no frequency). This variant has not been reported in the literature in individuals affected with LOXHD1-related conditions. ClinVar contains an entry for this variant (Variation ID: 863789). For these reasons, this variant has been classified as Pathogenic.

Literature cited by the submitters: PubMed 19732867 (cited by Labcorp Genetics (formerly Invitae), Labcorp); PubMed 21465660 (cited by Labcorp Genetics (formerly Invitae), Labcorp); PubMed 25792669 (cited by Labcorp Genetics (formerly Invitae), Labcorp).